The following is an entry in ClinVar:

ClinVar aggregate classification (germline): Benign/Likely benign. Review status: criteria provided, multiple submitters, no conflicts (2 of 4 stars). 3 submissions from 3 submitters: Benign (1); Likely benign (1). 1 of the submissions does not count toward it. Last evaluated 2022-08-02.

Conditions:
KMT2D-related disorder. Also called: KMT2D-Related Disorders.

Allele frequency attached by ClinVar (database versions not stated): gnomAD exomes 0.00008; ExAC 0.00010; 1000 Genomes Project 30x 0.00016; 1000 Genomes Project 0.00020; TOPMed 0.00031; ESP Exome Variant Server 0.00032; gnomAD 0.00041.
gnomAD v4.1: 113 of 1,613,786 alleles (0.007%); highest among the groups gnomAD compares: African/African-American, 0.1%; no homozygotes.

Submissions (3):

Blueprint Genetics
Classification: Likely benign. Last evaluated: 2022-08-02. Review status: criteria provided, single submitter. Criteria: ACMG Guidelines, 2015. Collection method: clinical testing. Allele origin: germline.

GeneDx
Classification: Benign. Last evaluated: 2020-04-12. Review status: criteria provided, single submitter. Criteria: GeneDx Variant Classification Process June 2021. Collection method: clinical testing. Allele origin: germline. Affected: yes.

PreventionGenetics, part of Exact Sciences
Classification: Likely benign for KMT2D-related condition. Last evaluated: 2022-01-31. Review status: no assertion criteria provided. Collection method: clinical testing. Allele origin: germline. Not counted in ClinVar's aggregate classification.
Comment: This variant is classified as likely benign based on ACMG/AMP sequence variant interpretation guidelines (Richards et al. 2015 PMID: 25741868, with internal and published modifications).

NM_003482.4(KMT2D):c.3180G>T (p.Lys1060Asn)

Gene: KMT2D (lysine methyltransferase 2D; minus strand). Cytogenetic location: 12q13.12.
Variant type: single nucleotide variant.
Coding change: c.3180G>T on transcript NM_003482.4 (MANE Select); coding-DNA position 3180, G replaced by T.
Protein change: p.Lys1060Asn; replaces lysine 1060 with asparagine.
Molecular consequence: missense variant.
Genome position (GRCh38, 1-based): chr12:49,050,408, C>A on the plus strand (G>T on the coding strand, the complement: KMT2D is on the minus strand). VCF-style: chr12-49050408-C-A. GRCh37 (hg19) VCF-style: chr12-49444191-C-A.
Other names: short protein forms K1060N.
Identifiers: ClinVar variation 1273590 (VCV001273590.4), dbSNP rs201568916, ClinGen allele CA6548104.